The following is an entry in ClinVar:

NM_007294.4(BRCA1):c.4822G>A (p.Ala1608Thr)

Gene: BRCA1 (BRCA1 DNA repair associated; minus strand). Cytogenetic location: 17q21.31.
Variant type: single nucleotide variant.
Coding change: c.4822G>A on transcript NM_007294.4 (MANE Select); coding-DNA position 4822, G replaced by A.
Protein change: p.Ala1608Thr; replaces alanine 1608 with threonine.
Molecular consequence: missense variant. On other transcripts: non-coding transcript variant (1).
Genome position (GRCh38, 1-based): chr17:43,071,092, C>T on the plus strand (G>A on the coding strand, the complement: BRCA1 is on the minus strand). VCF-style: chr17-43071092-C-T. GRCh37 (hg19) VCF-style: chr17-41223109-C-T.
Other names: c.1510G>A, p.Ala504Thr (NM_001407991.1, NM_001407992.1, NM_001407993.1 and 13 more transcripts); c.1507G>A, p.Ala503Thr (NM_001408392.1, NM_001408396.1, NM_001408397.1 and 8 more transcripts); c.1501G>A, p.Ala501Thr (NM_001408409.1); c.1438G>A, p.Ala480Thr (NM_001408410.1); c.1432G>A, p.Ala478Thr (NM_001408413.1, NM_001408414.1, NM_001408415.1 and 2 more transcripts); c.1504G>A, p.Ala502Thr (NM_001408406.1, NM_001408407.1, NM_001408408.1); c.1435G>A, p.Ala479Thr (NM_001408411.1); c.4486G>A, p.Ala1496Thr (NM_001407954.1, NM_001407955.1, NM_001407950.1 and 3 more transcripts); and 70 more; short protein forms A1608T, A1629T, A1561T, A504T, A1479T, A1536T, A1541T, A1567T.
Identifiers: ClinVar variation 631142 (VCV000631142.13), dbSNP rs1567775064, ClinGen allele CA10591878.

ClinVar aggregate classification (germline): Uncertain significance. Review status: criteria provided, multiple submitters, no conflicts (2 of 4 stars). 2 submissions from 2 submitters: Uncertain significance (2). Last evaluated 2020-05-20.

Conditions:
Hereditary breast ovarian cancer syndrome. Also called: Hereditary breast and ovarian cancer; Hereditary breast and ovarian cancer syndrome (HBOC); Breast and ovarian cancer; Hereditary breast and ovarian cancer syndrome; BRCA1- and BRCA2-Associated Hereditary Breast and Ovarian Cancer; Hereditary breast and/or ovarian cancer syndrome. Identifiers: Orphanet 145, MedGen C0677776, MeSH D061325, MONDO:0003582. Disease mechanism: loss of function.
Hereditary cancer-predisposing syndrome. Also called: Tumor predisposition; Neoplastic Syndromes, Hereditary; Hereditary neoplastic syndrome; Hereditary Cancer Syndrome. Identifiers: Orphanet 140162, MedGen C0027672, MeSH D009386, MONDO:0015356.

Allele frequency attached by ClinVar (database versions not stated): gnomAD exomes below 0.00001.
gnomAD v4.1: 1 of 1,614,140 alleles (0.000062%); highest among the groups gnomAD compares: Non-Finnish European, 0.000085%; no homozygotes.

Submissions (2):

Labcorp Genetics (formerly Invitae), Labcorp
Classification: Uncertain significance for Hereditary breast ovarian cancer syndrome. Last evaluated: 2020-05-20. Review status: criteria provided, single submitter. Criteria: Invitae Variant Classification Sherloc (09022015). Collection method: clinical testing. Allele origin: germline.
Comment: This sequence change replaces alanine with threonine at codon 1608 of the BRCA1 protein (p.Ala1608Thr). The alanine residue is moderately conserved and there is a small physicochemical difference between alanine and threonine. In summary, the available evidence is currently insufficient to determine the role of this variant in disease. Therefore, it has been classified as a Variant of Uncertain Significance. Algorithms developed to predict the effect of missense changes on protein structure and function (SIFT, PolyPhen-2, Align-GVGD) all suggest that this variant is likely to be tolerated, but these predictions have not been confirmed by published functional studies and their clinical significance is uncertain. This variant has not been reported in the literature in individuals with BRCA1-related disease. This variant is not present in population databases (ExAC no frequency).

Color Diagnostics, LLC DBA Color Health
Classification: Uncertain significance for Hereditary cancer-predisposing syndrome. Last evaluated: 2019-04-05. Review status: criteria provided, single submitter. Criteria: ACMG Guidelines, 2015. Collection method: clinical testing. Allele origin: germline.